The following is an entry in ClinVar:

NM_000136.3(FANCC):c.923C>T (p.Ala308Val)

Genes: FANCC (FA complementation group C; minus strand), AOPEP (aminopeptidase O (putative); plus strand). Cytogenetic location: 9q22.32.
Variant type: single nucleotide variant.
Coding change: c.923C>T on transcript NM_000136.3 (MANE Select); coding-DNA position 923, C replaced by T.
Protein change: p.Ala308Val; replaces alanine 308 with valine.
Molecular consequence: missense variant.
Genome position (GRCh38, 1-based): chr9:95,125,159, G>A on the plus strand (C>T on the coding strand, the complement: FANCC is on the minus strand). VCF-style: chr9-95125159-G-A. GRCh37 (hg19) VCF-style: chr9-97887441-G-A.
Other names: c.923C>T, p.Ala308Val (NM_001243743.2, NM_001243744.2); short protein forms A308V.
Identifiers: ClinVar variation 1766293 (VCV001766293.2), dbSNP rs2134923964, ClinGen allele CA374108980.

ClinVar aggregate classification (germline): Uncertain significance (1 of 4 stars; one submission).

Conditions:
Hereditary cancer-predisposing syndrome. Also called: Hereditary Cancer Syndrome; Hereditary neoplastic syndrome; Neoplastic Syndromes, Hereditary; Tumor predisposition. Identifiers: Orphanet 140162, MedGen C0027672, MeSH D009386, MONDO:0015356.

Submission:

Ambry Genetics
Classification: Uncertain significance for Hereditary cancer-predisposing syndrome. Last evaluated: 2022-04-11. Review status: criteria provided, single submitter. Criteria: Ambry Variant Classification Scheme 2023. Collection method: clinical testing. Allele origin: germline.
Comment: The p.A308V variant (also known as c.923C>T), located in coding exon 9 of the FANCC gene, results from a C to T substitution at nucleotide position 923. The alanine at codon 308 is replaced by valine, an amino acid with similar properties. This amino acid position is conserved. In addition, the in silico prediction for this alteration is inconclusive. Since supporting evidence is limited at this time, the clinical significance of this alteration remains unclear.